The following is an entry in ClinVar:

NM_032638.5(GATA2):c.318dup (p.Ala107fs)

Gene: GATA2 (GATA binding protein 2; minus strand). Cytogenetic location: 3q21.3.
Variant type: Duplication.
Coding change: c.318dup on transcript NM_032638.5 (MANE Select); coding-DNA position 318, one base duplicated (T; older notation c.318dupT).
Protein change: p.Ala107fs; shifts the reading frame from alanine 107.
Molecular consequence: frameshift variant.
Genome position (GRCh38, 1-based): chr3:128,486,280, A duplicated on the plus strand (T on the coding strand, the reverse complement: GATA2 is on the minus strand). VCF-style (leftmost placement, unchanged base first): chr3-128486279-C-CA. GRCh37 (hg19) VCF-style: chr3-128205122-C-CA.
Other names: c.318dup, p.Ala107fs (NM_001145661.2, NM_001145662.1); short protein forms A107fs.
Identifiers: ClinVar variation 1184176 (VCV001184176.1), dbSNP rs2107672844, ClinGen allele CA1139532782.
Genomic context (GRCh38, chr3:128,486,279, plus strand): 5'-GCAGTGGCGTCTTGGAGAAGGGGCTCACGGTCCAGGGGTTGTGGTGGTGGGCCGCAGCGG[C>CA]AGAGAGGGCTGCTTTGCCCCCGTCCAGCCAGGGCAAACCCGGGCTGTGCAACAAGTGTGG-3'

ClinVar aggregate classification (germline): Pathogenic (1 of 4 stars; one submission).

Conditions:
Deafness-lymphedema-leukemia syndrome. Also called: Emberger syndrome; Lymphedema, primary, with myelodysplasia. Identifiers: Orphanet 3226, MedGen C3279664, MONDO:0013540, OMIM 614038.
GATA2 deficiency with susceptibility to MDS/AML. Identifiers: MedGen CN300066, MONDO:0042982.

Submission:

Molecular Pathology Research Laboratory, SA Pathology
Classification: Pathogenic for GATA2 deficiency with susceptibility to MDS/AML; Deafness-lymphedema-leukemia syndrome. Last evaluated: 2021-07-06. Review status: criteria provided, single submitter. Criteria: ACMG Guidelines, 2015. Collection method: curation. Allele origin: germline. Inheritance: Autosomal dominant inheritance. Affected: yes. Observed: 2 variant alleles.
Comment: PVS1, PS4_Moderate, PM2

Literature cited by the submitters: PubMed 24345756.